The following is an entry in ClinVar:

NM_001433705.1(NLRP5):c.3146+30C>T

Gene: NLRP5 (NLR family pyrin domain containing 5; plus strand). Cytogenetic location: 19q13.43.
Variant type: single nucleotide variant.
Coding change: c.3146+30C>T on transcript NM_001433705.1 (MANE Select); 30 bases into the intron after coding-DNA position 3146, C replaced by T.
Molecular consequence: intron variant.
Genome position (GRCh38, 1-based): chr19:56,053,838, C>T. VCF-style: chr19-56053838-C-T. GRCh37 (hg19) VCF-style: chr19-56565204-C-T.
Other names: NM_153447.4:c.3299+30C>T.
Identifiers: ClinVar variation 103292 (VCV000103292.2), dbSNP rs199475787, ClinGen allele CA230377.
Genomic context (GRCh38, chr19:56,053,838, plus strand): 5'-AGCAAAAGAACAGTGTTCTGGCGAGACTCGGGTAACTTCCTGGGGCGCCTCTTTGCGGGC[C>T]GGGCTGGGAGGAGGTGGGGGACCCCAGCATGAGGTTGCTTGAACAGGGATGATGATGATC-3'

ClinVar aggregate classification (germline): not provided (0 of 4 stars; one submission).

Allele frequency attached by ClinVar (database versions not stated): gnomAD 0.00041 and 0.00045; ESP Exome Variant Server 0.00075; TOPMed 0.00059; ExAC 0.00016; gnomAD exomes 0.00012.
gnomAD v4.1: 131 of 1,605,534 alleles (0.0082%); highest among the groups gnomAD compares: African/African-American, 0.13%; 1 homozygote.

Submission:

Human Evolutionary Genetics, Institut Pasteur
No classification provided. Review status: no classification provided. Collection method: not provided. Allele origin: germline.
ClinVar note: Converted during submission from untested to not provided.